The following is an entry in ClinVar:

ClinVar aggregate classification (germline): Likely benign. Review status: criteria provided, multiple submitters, no conflicts (2 of 4 stars). 3 submissions from 3 submitters: Likely benign (3). Last evaluated 2026-02-02.

Conditions:
Combined immunodeficiency due to DOCK8 deficiency (HIES2). Also called: HIES autosomal recessive; Hyper-IgE recurrent infection syndrome, autosomal recessive; DOCK8 Deficiency; HYPER-IgE SYNDROME 2, AUTOSOMAL RECESSIVE, WITH RECURRENT INFECTIONS; HYPER-IgE RECURRENT INFECTION SYNDROME 2, AUTOSOMAL RECESSIVE. Identifiers: Orphanet 217390, MedGen C4722305, MONDO:0009478, OMIM 243700.

Allele frequency attached by ClinVar (database versions not stated): ExAC 0.00002; gnomAD exomes 0.00004 and 0.00008; TOPMed 0.00006; gnomAD 0.00008 and 0.00010; ESP Exome Variant Server 0.00015; 1000 Genomes Project 30x 0.00016; 1000 Genomes Project 0.00020.
gnomAD v4.1: 129 of 1,611,022 alleles (0.008%); highest among the groups gnomAD compares: Middle Eastern, 0.017%; no homozygotes.

Submissions (3):

Labcorp Genetics (formerly Invitae), Labcorp
Classification: Likely benign for Combined immunodeficiency due to DOCK8 deficiency. Last evaluated: 2026-02-02. Review status: criteria provided, single submitter. Criteria: Invitae Variant Classification Sherloc (09022015). Collection method: clinical testing. Allele origin: germline.

Blueprint Genetics
Classification: Likely benign. Last evaluated: 2023-07-18. Review status: criteria provided, single submitter. Criteria: ACMG Guidelines, 2015. Collection method: clinical testing. Allele origin: germline.

GeneDx
Classification: Likely benign. Last evaluated: 2015-11-25. Review status: criteria provided, single submitter. Criteria: GeneDx Variant Classification (06012015). Collection method: clinical testing. Allele origin: germline. Affected: yes.
Comment: This variant is considered likely benign or benign based on one or more of the following criteria: it is a conservative change, it occurs at a poorly conserved position in the protein, it is predicted to be benign by multiple in silico algorithms, and/or has population frequency not consistent with disease.

NM_203447.4(DOCK8):c.393C>T (p.Ile131=)

Gene: DOCK8 (dedicator of cytokinesis 8; plus strand). Cytogenetic location: 9p24.3.
Variant type: single nucleotide variant.
Coding change: c.393C>T on transcript NM_203447.4 (MANE Select); coding-DNA position 393, C replaced by T.
Protein change: p.Ile131=; no amino-acid change (isoleucine 131 retained).
Molecular consequence: synonymous variant.
Genome position (GRCh38, 1-based): chr9:289,570, C>T. VCF-style: chr9-289570-C-T. GRCh37 (hg19) VCF-style: chr9-289570-C-T.
Other names: c.189C>T, p.Ile63= (NM_001190458.2, NM_001193536.2).
Identifiers: ClinVar variation 381958 (VCV000381958.12), dbSNP rs139097471, ClinGen allele CA4957203.